The following is an entry in ClinVar:

ClinVar aggregate classification (germline): Uncertain significance (1 of 4 stars; one submission).

Allele frequency attached by ClinVar (database versions not stated): gnomAD exomes below 0.00001.
gnomAD v4.1: 2 of 1,575,630 alleles (0.00013%); highest among the groups gnomAD compares: South Asian, 0.0023%; no homozygotes.

Submission:

CeGaT Center for Human Genetics Tuebingen
Classification: Uncertain significance. Last evaluated: 2022-12-01. Review status: criteria provided, single submitter. Criteria: CeGaT Center For Human Genetics Tuebingen Variant Classification Criteria Version 2. Collection method: clinical testing. Allele origin: germline. Affected: yes. Observed: 1 variant allele.
Comment: LAMA5: PM2, BP4

NM_005560.6(LAMA5):c.3557G>A (p.Gly1186Glu)

Gene: LAMA5 (laminin subunit alpha 5; minus strand). Cytogenetic location: 20q13.33.
Variant type: single nucleotide variant.
Coding change: c.3557G>A on transcript NM_005560.6 (MANE Select); coding-DNA position 3557, G replaced by A.
Protein change: p.Gly1186Glu; replaces glycine 1186 with glutamic acid.
Molecular consequence: missense variant.
Genome position (GRCh38, 1-based): chr20:62,331,125, C>T on the plus strand (G>A on the coding strand, the complement: LAMA5 is on the minus strand). VCF-style: chr20-62331125-C-T. GRCh37 (hg19) VCF-style: chr20-60906181-C-T.
Other names: short protein forms G1186E.
Identifiers: ClinVar variation 2652487 (VCV002652487.24), dbSNP rs2516095256, ClinGen allele CA409567722.